The following is an entry in ClinVar:

ClinVar aggregate classification (germline): Uncertain significance (1 of 4 stars; one submission).

Conditions:
Cardiovascular phenotype. Identifiers: MedGen CN230736.

Submission:

Ambry Genetics
Classification: Uncertain significance for Cardiovascular phenotype. Last evaluated: 2023-02-27. Review status: criteria provided, single submitter. Criteria: Ambry Variant Classification Scheme 2023. Collection method: clinical testing. Allele origin: germline.
Comment: The c.1400delT variant, located in coding exon 10 of the NEXN gene, results from a deletion of one nucleotide at nucleotide position 1400, causing a translational frameshift with a predicted alternate stop codon (p.I467Kfs*45). This variant is considered to be rare based on population cohorts in the Genome Aggregation Database (gnomAD). This alteration is expected to result in loss of function by premature protein truncation or nonsense-mediated mRNA decay. Although biallelic loss of function alterations in NEXN have been associated with autosomal recessive NEXN-related cardiomyopathy, haploinsufficiency for NEXN has not been clearly established as a mechanism of disease for autosomal dominant NEXN-related cardiomyopathy. Since supporting evidence is limited at this time, the clinical significance of this alteration remains unclear.

NM_144573.4(NEXN):c.1400del (p.Ile467fs)

Gene: NEXN (nexilin F-actin binding protein; plus strand). Cytogenetic location: 1p31.1.
Variant type: Deletion.
Coding change: c.1400del on transcript NM_144573.4 (MANE Select); coding-DNA position 1400, one base deleted (T; older notation c.1400delT).
Protein change: p.Ile467fs; shifts the reading frame from isoleucine 467.
Molecular consequence: frameshift variant.
Genome position (GRCh38, 1-based): chr1:77,935,971, T deleted. VCF-style (leftmost placement, unchanged base first): chr1-77935970-AT-A. GRCh37 (hg19) VCF-style: chr1-78401655-AT-A.
Other names: c.1208del, p.Ile403fs (NM_001172309.2); short protein forms I467fs, I403fs.
Identifiers: ClinVar variation 2449173 (VCV002449173.2), dbSNP rs2523265214, ClinGen allele CA2580063265.
Genomic context (GRCh38, chr1:77,935,970, plus strand): 5'-AACCTAAAAAGCAAGTTTGAAAAAATTGGACAGTTGTCTGAAAAAGAAATACAGAAAAAA[AT>A]AGAAGAAGAGCGAGCAAGAAGGAGAGCAATTGACCTTGAAATTAAAGAGCGAGAAGCTGA-3'